The following is an entry in ClinVar:

NM_000093.5(COL5A1):c.4464C>T (p.Ile1488=)

Genes: COL5A1 (collagen type V alpha 1 chain; plus strand), LOC101448202 (uncharacterized LOC101448202; minus strand). Cytogenetic location: 9q34.3.
Variant type: single nucleotide variant.
Coding change: c.4464C>T on transcript NM_000093.5 (MANE Select); coding-DNA position 4464, C replaced by T.
Protein change: p.Ile1488=; no amino-acid change (isoleucine 1488 retained).
Molecular consequence: synonymous variant. On other transcripts: non-coding transcript variant (1).
Genome position (GRCh38, 1-based): chr9:134,820,133, C>T. VCF-style: chr9-134820133-C-T. GRCh37 (hg19) VCF-style: chr9-137711979-C-T.
Other names: p.Ile1488=; c.4464C>T, p.Ile1488= (NM_001278074.1); c.4464C>T (NM_000093.3).
Identifiers: ClinVar variation 715227 (VCV000715227.16), dbSNP rs148669237, ClinGen allele CA5320314.

ClinVar aggregate classification (germline): Likely benign. Review status: criteria provided, multiple submitters, no conflicts (2 of 4 stars). 5 submissions from 5 submitters: Likely benign (5). Last evaluated 2025-08-21.

Conditions:
Ehlers-Danlos syndrome, classic type, 1 (EDSCL1). Also called: EHLERS-DANLOS SYNDROME, GRAVIS TYPE; EHLERS-DANLOS SYNDROME, SEVERE CLASSIC TYPE; Ehlers-Danlos syndrome, type 1; Ehlers-Danlos Syndrome, Classic Type, COL5A1-Related; EDS I. Identifiers: MedGen C0268335, MONDO:0019567, OMIM 130000.
Familial thoracic aortic aneurysm and aortic dissection (TAAD). Also called: Thoracic aortic aneurysms and dissections. Identifiers: Orphanet 91387, MedGen C4707243, MONDO:0019625.

Allele frequency attached by ClinVar (database versions not stated): TOPMed 0.00006.
gnomAD v4.1: 38 of 1,613,836 alleles (0.0024%); highest among the groups gnomAD compares: Admixed American, 0.0067%; no homozygotes.

Submissions (5):

Labcorp Genetics (formerly Invitae), Labcorp
Classification: Likely benign for Ehlers-Danlos syndrome, classic type, 1. Last evaluated: 2025-08-21. Review status: criteria provided, single submitter. Criteria: Invitae Variant Classification Sherloc (09022015). Collection method: clinical testing. Allele origin: germline.

Mayo Clinic Laboratories, Mayo Clinic
Classification: Likely benign. Last evaluated: 2025-07-08. Review status: criteria provided, single submitter. Criteria: ACMG Guidelines, 2015. Collection method: clinical testing. Allele origin: germline. Observed: 1 variant allele.
Comment: BP4, BP7

Ambry Genetics
Classification: Likely benign for Familial thoracic aortic aneurysm and aortic dissection. Last evaluated: 2024-12-09. Review status: criteria provided, single submitter. Criteria: Ambry Variant Classification Scheme 2023. Collection method: clinical testing. Allele origin: germline.

ARUP Laboratories, Molecular Genetics and Genomics, ARUP Laboratories
Classification: Likely benign. Last evaluated: 2024-07-03. Review status: criteria provided, single submitter. Criteria: ARUP Molecular Germline Variant Investigation Process 2024. Collection method: clinical testing. Allele origin: germline.

Blueprint Genetics
Classification: Likely benign. Last evaluated: 2021-11-10. Review status: criteria provided, single submitter. Criteria: ACMG Guidelines, 2015. Collection method: clinical testing. Allele origin: germline.